The following is an entry in ClinVar:

ClinVar aggregate classification (germline): Uncertain significance (1 of 4 stars; one submission).

Conditions:
Joubert syndrome 23 (JBTS23). Identifiers: Orphanet 475, MedGen C4084822, MONDO:0014664, OMIM 616490.
Short-rib thoracic dysplasia 14 with polydactyly (SRTD14). Identifiers: Orphanet 397715, MedGen C4225286, MONDO:0014688, OMIM 616546.

Submission:

Labcorp Genetics (formerly Invitae), Labcorp
Classification: Uncertain significance for Joubert syndrome 23; Short-rib thoracic dysplasia 14 with polydactyly. Last evaluated: 2025-06-12. Review status: criteria provided, single submitter. Criteria: Invitae Variant Classification Sherloc (09022015). Collection method: clinical testing. Allele origin: germline.
Comment: This sequence change replaces methionine, which is neutral and non-polar, with isoleucine, which is neutral and non-polar, at codon 176 of the KIAA0586 protein (p.Met176Ile). This variant is not present in population databases (gnomAD no frequency). This variant has not been reported in the literature in individuals affected with KIAA0586-related conditions. ClinVar contains an entry for this variant (Variation ID: 2923252). An algorithm developed to predict the effect of missense changes on protein structure and function (PolyPhen-2) suggests that this variant is likely to be tolerated. In summary, the available evidence is currently insufficient to determine the role of this variant in disease. Therefore, it has been classified as a Variant of Uncertain Significance.

NM_001329943.3(KIAA0586):c.411-1404G>A

Gene: KIAA0586 (KIAA0586; plus strand). Cytogenetic location: 14q23.1.
Variant type: single nucleotide variant.
Coding change: c.411-1404G>A on transcript NM_001329943.3 (MANE Select); 1404 bases into the intron before coding-DNA position 411, G replaced by A.
Molecular consequence: intron variant. On other transcripts: missense variant (2).
Genome position (GRCh38, 1-based): chr14:58,441,302, G>A. VCF-style: chr14-58441302-G-A. GRCh37 (hg19) VCF-style: chr14-58908020-G-A.
Other names: c.528G>A, p.Met176Ile (NM_001244189.2); c.237G>A, p.Met79Ile (NM_001244192.2); c.366-1404G>A (NM_001244190.2); c.156-1404G>A (NM_001244191.2, NM_001364701.2, NM_001329945.2 and 1 more transcripts); c.411-1404G>A (NM_001329944.2, NM_001329946.2, NM_001329947.2 and 1 more transcripts); c.-10-1404G>A (NM_001244193.2); short protein forms M176I, M79I.
Identifiers: ClinVar variation 2923252 (VCV002923252.3), dbSNP rs2542746304, ClinGen allele CA389860350.